The following is an entry in ClinVar:

ClinVar aggregate classification (germline): Uncertain significance (1 of 4 stars; one submission).

Conditions:
Mendelian susceptibility to mycobacterial diseases due to complete IL12RB1 deficiency. Also called: IL12RB1 DEFICIENCY; Immunodeficiency 30. Identifiers: Orphanet 319552, MedGen C4013949, MONDO:0013955, OMIM 614891.

Allele frequency attached by ClinVar (database versions not stated): gnomAD exomes below 0.00001.
gnomAD v4.1: 1 of 1,611,580 alleles (0.000062%); highest among the groups gnomAD compares: Admixed American, 0.0017%; no homozygotes.

Submission:

Labcorp Genetics (formerly Invitae), Labcorp
Classification: Uncertain significance for Mendelian susceptibility to mycobacterial diseases due to complete IL12RB1 deficiency. Last evaluated: 2021-10-20. Review status: criteria provided, single submitter. Criteria: Invitae Variant Classification Sherloc (09022015). Collection method: clinical testing. Allele origin: germline.
Comment: This sequence change replaces arginine with glycine at codon 48 of the IL12RB1 protein (p.Arg48Gly). The arginine residue is moderately conserved and there is a moderate physicochemical difference between arginine and glycine. This variant is not present in population databases (ExAC no frequency). This variant has not been reported in the literature in individuals affected with IL12RB1-related conditions. Algorithms developed to predict the effect of missense changes on protein structure and function are either unavailable or do not agree on the potential impact of this missense change (SIFT: "Tolerated"; PolyPhen-2: "Possibly Damaging"; Align-GVGD: "Class C0"). In summary, the available evidence is currently insufficient to determine the role of this variant in disease. Therefore, it has been classified as a Variant of Uncertain Significance.

NM_005535.3(IL12RB1):c.142A>G (p.Arg48Gly)

Gene: IL12RB1 (interleukin 12 receptor subunit beta 1; minus strand). Cytogenetic location: 19p13.11.
Variant type: single nucleotide variant.
Coding change: c.142A>G on transcript NM_005535.3 (MANE Select); coding-DNA position 142, A replaced by G.
Protein change: p.Arg48Gly; replaces arginine 48 with glycine.
Molecular consequence: missense variant.
Genome position (GRCh38, 1-based): chr19:18,082,247, T>C on the plus strand (A>G on the coding strand, the complement: IL12RB1 is on the minus strand). VCF-style: chr19-18082247-T-C. GRCh37 (hg19) VCF-style: chr19-18193057-T-C.
Other names: c.142A>G, p.Arg48Gly (NM_001290023.2, NM_153701.3); c.262A>G, p.Arg88Gly (NM_001290024.2); short protein forms R48G, R88G.
Identifiers: ClinVar variation 569877 (VCV000569877.6), dbSNP rs1568517733, ClinGen allele CA404790371.